The following is an entry in ClinVar:

ClinVar aggregate classification (germline): Uncertain significance (1 of 4 stars; one submission).

Conditions:
Atrioventricular septal defect 4 (AVSD4). Identifiers: MedGen C3280781, MONDO:0013747, OMIM 614430.

Allele frequency attached by ClinVar (database versions not stated): gnomAD exomes below 0.00001; gnomAD 0.00001; TOPMed 0.00002.
gnomAD v4.1: 4 of 1,613,516 alleles (0.00025%); highest among the groups gnomAD compares: African/African-American, 0.0013%; no homozygotes.

Submission:

Labcorp Genetics (formerly Invitae), Labcorp
Classification: Uncertain significance for Atrioventricular septal defect 4. Last evaluated: 2022-08-27. Review status: criteria provided, single submitter. Criteria: Invitae Variant Classification Sherloc (09022015). Collection method: clinical testing. Allele origin: germline.
Comment: In summary, the available evidence is currently insufficient to determine the role of this variant in disease. Therefore, it has been classified as a Variant of Uncertain Significance. Algorithms developed to predict the effect of missense changes on protein structure and function are either unavailable or do not agree on the potential impact of this missense change (SIFT: "Tolerated"; PolyPhen-2: "Possibly Damaging"; Align-GVGD: "Class C0"). This variant has not been reported in the literature in individuals affected with GATA4-related conditions. This variant is present in population databases (no rsID available, gnomAD 0.007%). This sequence change replaces glutamic acid, which is acidic and polar, with lysine, which is basic and polar, at codon 289 of the GATA4 protein (p.Glu289Lys).

NM_001308093.3(GATA4):c.868G>A (p.Glu290Lys)

Gene: GATA4 (GATA binding protein 4). Cytogenetic location: 8p23.1.
Variant type: single nucleotide variant.
Coding change: c.868G>A on transcript NM_001308093.3 (MANE Select); coding-DNA position 868, G replaced by A.
Protein change: p.Glu290Lys; replaces glutamic acid 290 with lysine.
Molecular consequence: missense variant. On other transcripts: intron variant (1).
Genome position (GRCh38, 1-based): chr8:11,750,192, G>A. VCF-style: chr8-11750192-G-A. GRCh37 (hg19) VCF-style: chr8-11607701-G-A.
Other names: c.247G>A, p.Glu83Lys (NM_001308094.2, NM_001374273.1); c.865G>A, p.Glu289Lys (NM_002052.5); c.165+1107G>A (NM_001374274.1); short protein forms E289K, E290K, E83K.
Identifiers: ClinVar variation 2188095 (VCV002188095.4), dbSNP rs895198693, ClinGen allele CA172114452.
Genomic context (GRCh38, chr8:11,750,192, plus strand): 5'-CTCTCCTGTGCCAACTGCCAGACCACCACCACCACGCTGTGGCGCCGCAATGCGGAGGGC[G>A]AGCCTGTGTGCAATGCCTGCGGCCTCTACATGAAGCTCCACGGGGTACGTGGGTCCTGCG-3'
Protein context (NP_001295022.1, residues 280-300): TTLWRRNAEG[Glu290Lys]PVCNACGLYM